The following is an entry in ClinVar:

NM_001081.4(CUBN):c.3138del (p.Ala1047fs)

Gene: CUBN (cubilin; minus strand). Cytogenetic location: 10p13.
Variant type: Deletion.
Coding change: c.3138del on transcript NM_001081.4 (MANE Select); coding-DNA position 3138, one base deleted (A; older notation c.3138delA).
Protein change: p.Ala1047fs; shifts the reading frame from alanine 1047.
Molecular consequence: frameshift variant.
Genome position (GRCh38, 1-based): chr10:17,065,509, T deleted on the plus strand (A on the coding strand, the reverse complement: CUBN is on the minus strand). VCF-style (leftmost placement, unchanged base first): chr10-17065508-CT-C. GRCh37 (hg19) VCF-style: chr10-17107507-CT-C.
Other names: short protein forms A1047fs.
Identifiers: ClinVar variation 2731233 (VCV002731233.3), dbSNP rs2491975846, ClinGen allele CA2697558287.
Genomic context (GRCh38, chr10:17,065,508, plus strand): 5'-CTATTAGCACTGTTTTGCAATGGAGTCAATAAAACCGAGTATGCAATGCTGTTTTGTTAC[CT>C]GTTGCTGCACTGATTGCTTCATAGTTTATTAAGAAGCCTTCATAAGCGAGGTCGGAGTCA-3'

ClinVar aggregate classification (germline): Pathogenic (1 of 4 stars; one submission).

Conditions:
Imerslund-Grasbeck syndrome. Also called: ENTEROCYTE COBALAMIN MALABSORPTION; ENTEROCYTE INTRINSIC FACTOR RECEPTOR, DEFECT OF; Megaloblastic anemia due to inborn errors of metabolism; PERNICIOUS ANEMIA, JUVENILE, DUE TO SELECTIVE INTESTINAL MALABSORPTION OF VITAMIN B12, WITH PROTEINURIA; Imerslund-Gräsbeck syndrome. Identifiers: Orphanet 35858, MedGen C4551825, MONDO:0009853.

Submission:

Labcorp Genetics (formerly Invitae), Labcorp
Classification: Pathogenic for Imerslund-Grasbeck syndrome. Last evaluated: 2023-07-07. Review status: criteria provided, single submitter. Criteria: Invitae Variant Classification Sherloc (09022015). Collection method: clinical testing. Allele origin: germline.
Comment: This sequence change creates a premature translational stop signal (p.Ala1047Hisfs*34) in the CUBN gene. It is expected to result in an absent or disrupted protein product. Loss-of-function variants in CUBN are known to be pathogenic (PMID: 15024727, 22929189, 25349199, 34979989). This variant is not present in population databases (gnomAD no frequency). This variant has not been reported in the literature in individuals affected with CUBN-related conditions. For these reasons, this variant has been classified as Pathogenic.

Literature cited by the submitters: PubMed 15024727; PubMed 22929189; PubMed 25349199; PubMed 34979989.